The following is an entry in ClinVar:

ClinVar aggregate classification (germline): Conflicting classifications of pathogenicity. Review status: criteria provided, conflicting classifications (1 of 4 stars). 4 submissions from 4 submitters: Uncertain significance (1); Likely benign (3). Last evaluated 2025-06-09.

Conditions:
Malignant hyperthermia, susceptibility to, 5 (MHS5). Also called: CACNA1S-Related Malignant Hyperthermia Susceptibility. Identifiers: Orphanet 423, MedGen C1866077, MONDO:0011163, OMIM 601887.
Hypokalemic periodic paralysis, type 1. Also called: Hypokalemic Periodic Paralysis Type 1 (AD); HypoPP. Identifiers: Orphanet 681, MedGen C3714580, MONDO:0042979, OMIM 170400.

Allele frequency attached by ClinVar (database versions not stated): gnomAD exomes below 0.00001.
gnomAD v4.1: 7 of 1,613,450 alleles (0.00043%); no homozygotes.

Submissions (4):

Color Diagnostics, LLC DBA Color Health
Classification: Likely benign for Malignant hyperthermia, susceptibility to, 5. Last evaluated: 2025-06-09. Review status: criteria provided, single submitter. Criteria: ACMG Guidelines, 2015. Collection method: clinical testing. Allele origin: germline.

Blueprint Genetics
Classification: Likely benign. Last evaluated: 2024-03-19. Review status: criteria provided, single submitter. Criteria: ACMG Guidelines, 2015. Collection method: clinical testing. Allele origin: germline.

All of Us Research Program, National Institutes of Health
Classification: Uncertain significance for Malignant hyperthermia, susceptibility to, 5. Last evaluated: 2024-01-11. Review status: criteria provided, single submitter. Criteria: ACMG Guidelines, 2015. Collection method: clinical testing. Allele origin: germline. Inheritance: Autosomal dominant inheritance. Observed: 3 variant alleles, 3 heterozygotes.
Comment: This variant is located in the CACNA1S protein. To our knowledge, functional studies have not been reported for this variant. This variant has not been reported in individuals affected with CACNA1S-related disorders in the literature. This variant has been identified in 1/251462 chromosomes in the general population by the Genome Aggregation Database (gnomAD). The available evidence is insufficient to determine the role of this variant in disease conclusively. Therefore, this variant is classified as a Variant of Uncertain Significance.

This study involves interpretation of variants in research participants for the purpose of population health screening. Participant phenotype was not available at the time of variant classification. Additional details can be found in publication PMID: 35346344, PMCID: PMC8962531

Labcorp Genetics (formerly Invitae), Labcorp
Classification: Likely benign for Hypokalemic periodic paralysis, type 1; Malignant hyperthermia, susceptibility to, 5. Last evaluated: 2022-01-22. Review status: criteria provided, single submitter. Criteria: Invitae Variant Classification Sherloc (09022015). Collection method: clinical testing. Allele origin: germline.

NM_000069.3(CACNA1S):c.12C>T (p.Ser4=)

Gene: CACNA1S (calcium voltage-gated channel subunit alpha1 S; minus strand). Cytogenetic location: 1q32.1.
Variant type: single nucleotide variant.
Coding change: c.12C>T on transcript NM_000069.3 (MANE Select); coding-DNA position 12, C replaced by T.
Protein change: p.Ser4=; no amino-acid change (serine 4 retained).
Molecular consequence: synonymous variant.
Genome position (GRCh38, 1-based): chr1:201,112,328, G>A on the plus strand (C>T on the coding strand, the complement: CACNA1S is on the minus strand). VCF-style: chr1-201112328-G-A. GRCh37 (hg19) VCF-style: chr1-201081456-G-A.
Identifiers: ClinVar variation 1161374 (VCV001161374.12), dbSNP rs1448450110, ClinGen allele CA422698335.